The following is an entry in ClinVar:

ClinVar aggregate classification (germline): Uncertain significance (1 of 4 stars; one submission).

Conditions:
Evans syndrome, immunodeficiency, and premature immunosenescence associated with tripeptidyl-peptidase II deficiency. Identifiers: MedGen CN231723. Disease mechanism: loss of function.

Allele frequency attached by ClinVar (database versions not stated): gnomAD exomes below 0.00001; ExAC 0.00001; gnomAD 0.00001; 1000 Genomes Project 0.00020; 1000 Genomes Project 30x 0.00031.
gnomAD v4.1: 2 of 1,575,590 alleles (0.00013%); highest among the groups gnomAD compares: Admixed American, 0.002%; no homozygotes.

Submission:

Labcorp Genetics (formerly Invitae), Labcorp
Classification: Uncertain significance for Evans syndrome, immunodeficiency, and premature immunosenescence associated with tripeptidyl-peptidase II deficiency. Last evaluated: 2024-10-24. Review status: criteria provided, single submitter. Criteria: Invitae Variant Classification Sherloc (09022015). Collection method: clinical testing. Allele origin: germline.
Comment: This sequence change falls in intron 21 of the TPP2 gene. It does not directly change the encoded amino acid sequence of the TPP2 protein. It affects a nucleotide within the consensus splice site. This variant is not present in population databases (gnomAD no frequency). This variant has not been reported in the literature in individuals affected with TPP2-related conditions. ClinVar contains an entry for this variant (Variation ID: 2125771). Variants that disrupt the consensus splice site are a relatively common cause of aberrant splicing (PMID: 17576681, 9536098). Algorithms developed to predict the effect of sequence changes on RNA splicing suggest that this variant is not likely to affect RNA splicing. In summary, the available evidence is currently insufficient to determine the role of this variant in disease. Therefore, it has been classified as a Variant of Uncertain Significance.

Literature cited by the submitters: PubMed 17576681; PubMed 9536098.

NM_001330588.2(TPP2):c.2629-3C>T

Gene: TPP2 (tripeptidyl peptidase 2; plus strand). Cytogenetic location: 13q33.1.
Variant type: single nucleotide variant.
Coding change: c.2629-3C>T on transcript NM_001330588.2 (MANE Select); 3 bases into the intron before coding-DNA position 2629, C replaced by T.
Molecular consequence: intron variant.
Genome position (GRCh38, 1-based): chr13:102,648,904, C>T. VCF-style: chr13-102648904-C-T. GRCh37 (hg19) VCF-style: chr13-103301254-C-T.
Other names: c.2629-3C>T (NM_001367947.1, NM_003291.4).
Identifiers: ClinVar variation 2125771 (VCV002125771.4), dbSNP rs536860954, ClinGen allele CA7038067.